The following is an entry in ClinVar:

ClinVar aggregate classification (germline): Uncertain significance (1 of 4 stars; one submission).

gnomAD v4.1: 1 of 1,613,314 alleles (0.000062%); no homozygotes.

Submission:

Ambry Genetics
Classification: Uncertain significance. Last evaluated: 2025-10-05. Review status: criteria provided, single submitter. Criteria: Ambry Variant Classification Scheme 2023. Collection method: clinical testing. Allele origin: germline.
Comment: The p.A895V variant (also known as c.2684C>T), located in coding exon 11 of the WNK2 gene, results from a C to T substitution at nucleotide position 2684. The alanine at codon 895 is replaced by valine, an amino acid with similar properties. This amino acid position is conserved. In addition, this alteration is predicted to be tolerated by in silico analysis. Based on the available evidence, the clinical significance of this variant remains unclear.

NM_006648.4(WNK2):c.2684C>T (p.Ala895Val)

Gene: WNK2 (WNK lysine deficient protein kinase 2; plus strand). Cytogenetic location: 9q22.31.
Variant type: single nucleotide variant.
Coding change: c.2684C>T on transcript NM_006648.4 (MANE Select); coding-DNA position 2684, C replaced by T.
Protein change: p.Ala895Val; replaces alanine 895 with valine.
Molecular consequence: missense variant.
Genome position (GRCh38, 1-based): chr9:93,259,232, C>T. VCF-style: chr9-93259232-C-T. GRCh37 (hg19) VCF-style: chr9-96021514-C-T.
Other names: c.2684C>T, p.Ala895Val (NM_001282394.3); short protein forms A895V.
Identifiers: ClinVar variation 4605221 (VCV004605221.1).
Genomic context (GRCh38, chr9:93,259,232, plus strand): 5'-CCATTGTGCCAAATGCACCGGCCACTATCCCCCTGCTGGCCGTAGCCCCACCGGGCGTGG[C>T]TGCCCTGTCCATTCATTCTGCCGTGGCCCAGCTCCCAGGCCAACCTGTGTACCCAGCGGC-3'
Protein context (NP_006639.3, residues 885-905): PLLAVAPPGV[Ala895Val]ALSIHSAVAQ